The following is an entry in ClinVar:

ClinVar aggregate classification (germline): Conflicting classifications of pathogenicity. Review status: criteria provided, conflicting classifications (1 of 4 stars). 5 submissions from 5 submitters: Uncertain significance (1); Likely benign (4). Last evaluated 2026-02-19.

Conditions:
PLEC-related disorder. Also called: PLEC-related condition; PLEC-related disorders.
Autosomal recessive limb-girdle muscular dystrophy type 2Q (LGMDR17). Also called: MUSCULAR DYSTROPHY, LIMB-GIRDLE, AUTOSOMAL RECESSIVE 17. Identifiers: Orphanet 254361, MedGen C3150989, MONDO:0013390, OMIM 613723.
Epidermolysis bullosa simplex 5B, with muscular dystrophy (EBS5B). Also called: EPIDERMOLYSIS BULLOSA SIMPLEX AND LIMB-GIRDLE MUSCULAR DYSTROPHY; Epidermolysis bullosa simplex with muscular dystrophy. Identifiers: Orphanet 257, MedGen C2931072, MONDO:0009181, OMIM 226670.
Epidermolysis bullosa simplex, Ogna type (EBS5A). Also called: Pidermolysis bullosa simplex 5A, Ogna type; EPIDERMOLYSIS BULLOSA SIMPLEX 5A, OGNA TYPE. Identifiers: Orphanet 79401, MedGen C0432317, MONDO:0007555, OMIM 131950.
Epidermolysis bullosa simplex with nail dystrophy (EBS5D). Identifiers: MedGen C4225309, MONDO:0014661, OMIM 616487.
Epidermolysis bullosa simplex 5C, with pyloric atresia (EBS5C). Also called: PLEC-Related Epidermolysis Bullosa with Pyloric Atresia; Epidermolysis bullosa simplex with pyloric atresia; PLEC1-Related Epidermolysis Bullosa with Pyloric Atresia. Identifiers: Orphanet 158684, MedGen C2677349, MONDO:0012807, OMIM 612138.
Inborn genetic diseases. Identifiers: MedGen C0950123, MeSH D030342.

Allele frequency attached by ClinVar (database versions not stated): gnomAD 0.00004 and 0.00006; TOPMed 0.00012; 1000 Genomes Project 0.00020; gnomAD exomes 0.00024; ExAC 0.00026; 1000 Genomes Project 30x 0.00031.

Submissions (5):

PreventionGenetics, part of Exact Sciences
Classification: Likely benign for PLEC-related condition. Last evaluated: 2026-02-19. Review status: criteria provided, single submitter. Criteria: ACMG Guidelines, 2015. Collection method: clinical testing. Allele origin: germline.
Comment: This variant is classified as likely benign based on ACMG/AMP sequence variant interpretation guidelines (Richards et al. 2015 PMID: 25741868, with internal and published modifications).

Labcorp Genetics (formerly Invitae), Labcorp
Classification: Likely benign for Autosomal recessive limb-girdle muscular dystrophy type 2Q; Epidermolysis bullosa simplex, Ogna type; Epidermolysis bullosa simplex with nail dystrophy; Epidermolysis bullosa simplex 5C, with pyloric atresia; Epidermolysis bullosa simplex 5B, with muscular dystrophy. Last evaluated: 2024-11-18. Review status: criteria provided, single submitter. Criteria: Invitae Variant Classification Sherloc (09022015). Collection method: clinical testing. Allele origin: germline.

Blueprint Genetics
Classification: Likely benign. Last evaluated: 2024-08-21. Review status: criteria provided, single submitter. Criteria: ACMG Guidelines, 2015. Collection method: clinical testing. Allele origin: germline.

Ambry Genetics
Classification: Uncertain significance for Inborn genetic diseases. Last evaluated: 2023-06-28. Review status: criteria provided, single submitter. Criteria: Ambry Variant Classification Scheme 2023. Collection method: clinical testing. Allele origin: germline.

GeneDx
Classification: Likely benign. Last evaluated: 2017-04-10. Review status: criteria provided, single submitter. Criteria: GeneDx Variant Classification (06012015). Collection method: clinical testing. Allele origin: germline. Affected: yes.
Comment: This variant is considered likely benign or benign based on one or more of the following criteria: it is a conservative change, it occurs at a poorly conserved position in the protein, it is predicted to be benign by multiple in silico algorithms, and/or has population frequency not consistent with disease.

NM_201384.3(PLEC):c.8111A>C (p.Lys2704Thr)

Gene: PLEC (plectin; minus strand). Cytogenetic location: 8q24.3.
Variant type: single nucleotide variant.
Coding change: c.8111A>C on transcript NM_201384.3 (MANE Select); coding-DNA position 8111, A replaced by C.
Protein change: p.Lys2704Thr; replaces lysine 2704 with threonine.
Molecular consequence: missense variant.
Genome position (GRCh38, 1-based): chr8:143,921,710, T>G on the plus strand (A>C on the coding strand, the complement: PLEC is on the minus strand). VCF-style: chr8-143921710-T-G. GRCh37 (hg19) VCF-style: chr8-144995878-T-G.
Other names: c.8192A>C, p.Lys2731Thr (NM_000445.5); c.8069A>C, p.Lys2690Thr (NM_201378.4); c.8045A>C, p.Lys2682Thr (NM_201379.3); c.8522A>C, p.Lys2841Thr (NM_201380.4); c.8015A>C, p.Lys2672Thr (NM_201381.3); c.8111A>C, p.Lys2704Thr (NM_201382.4); c.8123A>C, p.Lys2708Thr (NM_201383.3); c.8192A>C (NM_000445.4); short protein forms K2672T, K2682T, K2690T, K2704T, K2708T, K2731T, K2841T.
Identifiers: ClinVar variation 508466 (VCV000508466.12), dbSNP rs376577874, ClinGen allele CA4925417.
Genomic context (GRCh38, chr8:143,921,710, plus strand): 5'-CCGGGACTCAGCAGCTGCCTCTGCAGGGCGGCGTAAACACTCAGCTTCTCATTGGTGGCC[T>G]TCAGCAACAGCCCTGCGATACTGCTGCGGCCCTGCAGGTAGTGGCGCACGTCTTCCCGCC-3'
Protein context (NP_958786.1, residues 2694-2714): GRSSIAGLLL[Lys2704Thr]ATNEKLSVYA